The following is an entry in ClinVar:

NM_014975.3(MAST1):c.3923C>T (p.Ala1308Val)

Gene: MAST1 (microtubule associated serine/threonine kinase 1; plus strand). Cytogenetic location: 19p13.13.
Variant type: single nucleotide variant.
Coding change: c.3923C>T on transcript NM_014975.3 (MANE Select); coding-DNA position 3923, C replaced by T.
Protein change: p.Ala1308Val; replaces alanine 1308 with valine.
Molecular consequence: missense variant.
Genome position (GRCh38, 1-based): chr19:12,874,080, C>T. VCF-style: chr19-12874080-C-T. GRCh37 (hg19) VCF-style: chr19-12984894-C-T.
Other names: short protein forms A1308V.
Identifiers: ClinVar variation 976783 (VCV000976783.1), dbSNP rs1970276863, ClinGen allele CA404289383.

ClinVar aggregate classification (germline): Uncertain significance (0 of 4 stars; one submission).

Conditions:
Mega-corpus-callosum syndrome with cerebellar hypoplasia and cortical malformations. Identifiers: MedGen C4748927, MONDO:0032648, OMIM 618273.

Submission:

Clinical Genomics Laboratory, Stanford Medicine
Classification: Uncertain significance for Mega-corpus-callosum syndrome with cerebellar hypoplasia and cortical malformations. Last evaluated: 2019-12-18. Review status: no assertion criteria provided. Collection method: clinical testing. Allele origin: germline. Inheritance: Autosomal dominant inheritance. Affected: yes.
Comment: This variant was absent from large population databases, including the Genome Aggregation Database. The MAST1 gene has fewer missense variants in the general population than expected. A low rate of missense variation may suggest that this gene is intolerant to missense variation. Computational tools predict that p.Ala1308Val does not impact protein function; however, the accuracy of in silico algorithms is limited. These data were assessed using the ACMG/AMP variant interpretation guidelines. In summary, the significance of the p.Ala1308Val variant is uncertain. Additional information is needed to resolve the significance of this variant. [ACMG evidence codes used: PS2_moderate; PM2; PP2]